The following is an entry in ClinVar:

NM_144670.6(A2ML1):c.2899C>G (p.Pro967Ala)

Gene: A2ML1 (alpha-2-macroglobulin like 1; plus strand). Cytogenetic location: 12p13.31.
Variant type: single nucleotide variant.
Coding change: c.2899C>G on transcript NM_144670.6 (MANE Select); coding-DNA position 2899, C replaced by G.
Protein change: p.Pro967Ala; replaces proline 967 with alanine.
Molecular consequence: missense variant.
Genome position (GRCh38, 1-based): chr12:8,857,214, C>G. VCF-style: chr12-8857214-C-G. GRCh37 (hg19) VCF-style: chr12-9009810-C-G.
Other names: c.1426C>G, p.Pro476Ala (NM_001282424.3); short protein forms P476A, P967A.
Identifiers: ClinVar variation 2822397 (VCV002822397.3), dbSNP rs2539274672, ClinGen allele CA383836168.

ClinVar aggregate classification (germline): Uncertain significance (1 of 4 stars; one submission).

gnomAD v4.1: 2 of 1,612,988 alleles (0.00012%); highest among the groups gnomAD compares: African/African-American, 0.0013%; no homozygotes.

Submission:

Labcorp Genetics (formerly Invitae), Labcorp
Classification: Uncertain significance. Last evaluated: 2022-12-20. Review status: criteria provided, single submitter. Criteria: Invitae Variant Classification Sherloc (09022015). Collection method: clinical testing. Allele origin: germline.
Comment: This variant has not been reported in the literature in individuals affected with A2ML1-related conditions. This sequence change replaces proline, which is neutral and non-polar, with alanine, which is neutral and non-polar, at codon 967 of the A2ML1 protein (p.Pro967Ala). This variant is not present in population databases (gnomAD no frequency). Algorithms developed to predict the effect of missense changes on protein structure and function are either unavailable or do not agree on the potential impact of this missense change (SIFT: "Deleterious"; PolyPhen-2: "Probably Damaging"; Align-GVGD: "Class C0"). In summary, the available evidence is currently insufficient to determine the role of this variant in disease. Therefore, it has been classified as a Variant of Uncertain Significance.